The following is an entry in ClinVar:

ClinVar aggregate classification (germline): Pathogenic (1 of 4 stars; one submission).

Conditions:
UDPglucose-4-epimerase deficiency. Also called: Epimerase Deficiency Galactosemia; GALACTOSEMIA III; GALE DEFICIENCY; UDP-GALACTOSE-4-EPIMERASE DEFICIENCY; Galactose epimerase deficiency; UDPglucose 4-Epimerase Deficiency Disease. Identifiers: Orphanet 352, Orphanet 79238, MedGen C0751161, MONDO:0009257, OMIM 230350.

Submission:

Labcorp Genetics (formerly Invitae), Labcorp
Classification: Pathogenic for UDPglucose-4-epimerase deficiency. Last evaluated: 2025-01-23. Review status: criteria provided, single submitter. Criteria: Invitae Variant Classification Sherloc (09022015). Collection method: clinical testing. Allele origin: germline.
Comment: This sequence change creates a premature translational stop signal (p.Gly272Alafs*53) in the GALE gene. While this is not anticipated to result in nonsense mediated decay, it is expected to disrupt the last 77 amino acid(s) of the GALE protein. This variant is not present in population databases (gnomAD no frequency). This variant has not been reported in the literature in individuals affected with GALE-related conditions. ClinVar contains an entry for this variant (Variation ID: 2999805). This variant disrupts a region of the GALE protein in which other variant(s) (p.Arg335His) have been determined to be pathogenic (PMID: 16301867, 16302980, 19250319). This suggests that this is a clinically significant region of the protein, and that variants that disrupt it are likely to be disease-causing. For these reasons, this variant has been classified as Pathogenic.

Literature cited by the submitters: PubMed 16301867; PubMed 16302980; PubMed 19250319.

NM_001008216.2(GALE):c.815del (p.Gly272fs)

Gene: GALE (UDP-galactose-4-epimerase; minus strand). Cytogenetic location: 1p36.11.
Variant type: Deletion.
Coding change: c.815del on transcript NM_001008216.2 (MANE Select); coding-DNA position 815, one base deleted (G; older notation c.815delG).
Protein change: p.Gly272fs; shifts the reading frame from glycine 272.
Molecular consequence: frameshift variant.
Genome position (GRCh38, 1-based): chr1:23,796,567, C deleted on the plus strand (G on the coding strand, the reverse complement: GALE is on the minus strand); the first of 3 consecutive C bases (chr1:23,796,567-23,796,569); deleting any one gives the same sequence. VCF-style (leftmost placement, unchanged base first): chr1-23796566-GC-G. GRCh37 (hg19) VCF-style: chr1-24123056-GC-G.
Other names: c.815del, p.Gly272fs (NM_000403.4, NM_001127621.2); short protein forms G272fs.
Identifiers: ClinVar variation 2999805 (VCV002999805.3), dbSNP rs1351636899, ClinGen allele CA733285484.